The following is an entry in ClinVar:

NM_002460.4(IRF4):c.638-1G>T

Gene: IRF4 (interferon regulatory factor 4; plus strand). Cytogenetic location: 6p25.3.
Variant type: single nucleotide variant.
Coding change: c.638-1G>T on transcript NM_002460.4 (MANE Select); the canonical splice acceptor site of the intron before coding-DNA position 638, G replaced by T.
Molecular consequence: splice acceptor variant.
Genome position (GRCh38, 1-based): chr6:398,827, G>T. VCF-style: chr6-398827-G-T. GRCh37 (hg19) VCF-style: chr6-398827-G-T.
Other names: c.635-1G>T (NM_001195286.2).
Identifiers: ClinVar variation 1472707 (VCV001472707.6), dbSNP rs2127438810, ClinGen allele CA362547899.

ClinVar aggregate classification (germline): Uncertain significance (1 of 4 stars; one submission).

Submission:

Labcorp Genetics (formerly Invitae), Labcorp
Classification: Uncertain significance. Last evaluated: 2021-11-27. Review status: criteria provided, single submitter. Criteria: Invitae Variant Classification Sherloc (09022015). Collection method: clinical testing. Allele origin: germline.
Comment: This sequence change affects an acceptor splice site in intron 5 of the IRF4 gene. It is expected to disrupt RNA splicing. Variants that disrupt the donor or acceptor splice site typically lead to a loss of protein function (PMID: 16199547), however the current clinical and genetic evidence is not sufficient to establish whether loss-of-function variants in IRF4 cause disease. In summary, the available evidence is currently insufficient to determine the role of this variant in disease. Therefore, it has been classified as a Variant of Uncertain Significance. Algorithms developed to predict the effect of sequence changes on RNA splicing suggest that this variant may disrupt the consensus splice site. This variant has not been reported in the literature in individuals affected with IRF4-related conditions. This variant is not present in population databases (gnomAD no frequency).

Literature cited by the submitters: PubMed 16199547.